The following is an entry in ClinVar:

ClinVar aggregate classification (germline): Pathogenic. Review status: criteria provided, multiple submitters, no conflicts (2 of 4 stars). 3 submissions from 3 submitters: Pathogenic (2). 1 of the submissions does not count toward it. Last evaluated 2023-05-12.

Conditions:
Retinal dystrophy. Also called: Inherited retinal dystrophy. Identifiers: Orphanet 71862, MedGen C0854723, MeSH D058499, MONDO:0019118, HP:0000556.

Submissions (3):

Labcorp Genetics (formerly Invitae), Labcorp
Classification: Pathogenic. Last evaluated: 2023-05-12. Review status: criteria provided, single submitter. Criteria: Invitae Variant Classification Sherloc (09022015). Collection method: clinical testing. Allele origin: germline.
Comment: This sequence change creates a premature translational stop signal (p.Tyr1109*) in the USH2A gene. It is expected to result in an absent or disrupted protein product. Loss-of-function variants in USH2A are known to be pathogenic (PMID: 10729113, 10909849, 20507924, 25649381). This variant is not present in population databases (gnomAD no frequency). This premature translational stop signal has been observed in individual(s) with Usher syndrome (PMID: 27208204). ClinVar contains an entry for this variant (Variation ID: 236538). For these reasons, this variant has been classified as Pathogenic.

Knight Diagnostic Laboratories, Oregon Health and Sciences University
Classification: Pathogenic. Last evaluated: 2017-04-14. Review status: criteria provided, single submitter. Criteria: ACMG Guidelines, 2015. Collection method: clinical testing. Allele origin: germline. Observed: 1 variant allele.

Centre for Genomic Medicine, Manchester, Central Manchester University Hospitals
Classification: Likely pathogenic for Retinal dystrophy. Review status: no assertion criteria provided. Collection method: clinical testing. Allele origin: germline. Affected: yes. Not counted in ClinVar's aggregate classification.

Literature cited by the submitters: PubMed 10729113 (cited by Labcorp Genetics (formerly Invitae), Labcorp); PubMed 10909849 (cited by Labcorp Genetics (formerly Invitae), Labcorp); PubMed 20507924 (cited by Labcorp Genetics (formerly Invitae), Labcorp); PubMed 25649381 (cited by Labcorp Genetics (formerly Invitae), Labcorp); PubMed 27208204 (cited by Labcorp Genetics (formerly Invitae), Labcorp).

NM_206933.4(USH2A):c.3327C>A (p.Tyr1109Ter)

Genes: USH2A-AS1 (USH2A antisense RNA 1; plus strand), USH2A (usherin; minus strand). Cytogenetic location: 1q41.
Variant type: single nucleotide variant.
Coding change: c.3327C>A on transcript NM_206933.4 (MANE Select); coding-DNA position 3327, C replaced by A.
Protein change: p.Tyr1109Ter; replaces tyrosine 1109 with a stop codon.
Molecular consequence: nonsense.
Genome position (GRCh38, 1-based): chr1:216,200,111, G>T on the plus strand (C>A on the coding strand, the complement: USH2A is on the minus strand). VCF-style: chr1-216200111-G-T. GRCh37 (hg19) VCF-style: chr1-216373453-G-T.
Other names: c.3327C>A, p.Tyr1109Ter (NM_007123.6); short protein forms Y1109*.
Identifiers: ClinVar variation 236538 (VCV000236538.6), dbSNP rs758705873, ClinGen allele CA10581644.
Genomic context (GRCh38, chr1:216,200,111, plus strand): 5'-ATTGGTGGTCTCAATGTAATAGGAATATTTGGTATATGGTAACAGGTCTGTGTCTAAGAA[G>T]TATTGAATACCTGAAATGAAAAGAAAAAAAAAAAACAAAGTTACATTTCACAAGTTGGTG-3'